The following is an entry in ClinVar:

NM_000218.3(KCNQ1):c.1514+37588G>C

Genes: KCNQ1 (potassium voltage-gated channel subfamily Q member 1; plus strand), KCNQ1OT1 (KCNQ1 opposite strand/antisense transcript 1; minus strand). Cytogenetic location: 11p15.5.
Variant type: single nucleotide variant.
Coding change: c.1514+37588G>C on transcript NM_000218.3 (MANE Select); 37588 bases into the intron after coding-DNA position 1514, G replaced by C.
Molecular consequence: intron variant.
Genome position (GRCh38, 1-based): chr11:2,699,669, G>C. VCF-style: chr11-2699669-G-C. GRCh37 (hg19) VCF-style: chr11-2720899-G-C.
Other names: c.1244+37588G>C (NM_001406837.1); c.1418+37588G>C (NM_001406836.1); c.974+37588G>C (NM_001406838.1); c.1133+37588G>C (NM_181798.2).
Identifiers: ClinVar variation 2578651 (VCV002578651.26), dbSNP rs145762501, ClinGen allele CA216198544.

ClinVar aggregate classification (germline): Benign/Likely benign. Review status: criteria provided, multiple submitters, no conflicts (2 of 4 stars). 2 submissions from 2 submitters: Benign (1); Likely benign (1). Last evaluated 2024-11-08.

Allele frequency attached by ClinVar (database versions not stated): gnomAD exomes 0.00101; gnomAD 0.00213.
gnomAD v4.1: 357 of 273,466 alleles (0.13%); highest among the groups gnomAD compares: African/African-American, 0.13%; 2 homozygotes.

Submissions (2):

Blueprint Genetics
Classification: Likely benign. Last evaluated: 2024-11-08. Review status: criteria provided, single submitter. Criteria: ACMG Guidelines, 2015. Collection method: clinical testing. Allele origin: germline.

CeGaT Center for Human Genetics Tuebingen
Classification: Benign. Last evaluated: 2023-09-01. Review status: criteria provided, single submitter. Criteria: CeGaT Center For Human Genetics Tuebingen Variant Classification Criteria Version 2. Collection method: clinical testing. Allele origin: germline. Affected: yes. Observed: 3 variant alleles.
Comment: KCNQ1OT1: BS1, BS2